The following is an entry in ClinVar:

ClinVar aggregate classification (germline): Benign. Review status: criteria provided, single submitter (1 of 4 stars). 2 submissions from 2 submitters: Benign (1). 1 of the submissions does not count toward it. Last evaluated 2025-04-24.

Conditions:
DNASE1-related disorder. Also called: DNASE1-related condition.

Allele frequency attached by ClinVar (database versions not stated): ESP Exome Variant Server 0.00008; gnomAD 0.00229; gnomAD exomes 0.00160; ExAC 0.00588; TOPMed 0.00395; 1000 Genomes Project 0.00559; 1000 Genomes Project 30x 0.00562.
gnomAD v4.1: 2,665 of 1,613,764 alleles (0.17%); highest among the groups gnomAD compares: Admixed American, 2.8%; 47 homozygotes.

Submissions (2):

Mayo Clinic Laboratories, Mayo Clinic
Classification: Benign. Last evaluated: 2025-04-24. Review status: criteria provided, single submitter. Criteria: ACMG Guidelines, 2015. Collection method: clinical testing. Allele origin: germline. Observed: 3 variant alleles.
Comment: BS1, BS2, BS3_supporting

PreventionGenetics, part of Exact Sciences
Classification: Benign for DNASE1-related condition. Last evaluated: 2020-01-14. Review status: no assertion criteria provided. Collection method: clinical testing. Allele origin: germline. Not counted in ClinVar's aggregate classification.
Comment: This variant is classified as benign based on ACMG/AMP sequence variant interpretation guidelines (Richards et al. 2015 PMID: 25741868, with internal and published modifications).

Literature cited by the submitters: PubMed 24206041 (cited by Mayo Clinic Laboratories, Mayo Clinic); PubMed 24819173 (cited by Mayo Clinic Laboratories, Mayo Clinic).

NM_005223.4(DNASE1):c.460C>G (p.Pro154Ala)

Gene: DNASE1 (deoxyribonuclease 1; plus strand). Cytogenetic location: 16p13.3.
Variant type: single nucleotide variant.
Coding change: c.460C>G on transcript NM_005223.4 (MANE Select); coding-DNA position 460, C replaced by G.
Protein change: p.Pro154Ala; replaces proline 154 with alanine.
Molecular consequence: missense variant. On other transcripts: non-coding transcript variant (2).
Genome position (GRCh38, 1-based): chr16:3,657,022, C>G. VCF-style: chr16-3657022-C-G. GRCh37 (hg19) VCF-style: chr16-3707023-C-G.
Other names: p.Pro154Ala; c.460C>G, p.Pro154Ala (NM_001351825.2, NM_001387135.1, NM_001387140.1); c.529C>G, p.Pro177Ala (NM_001387139.1); c.253C>G, p.Pro85Ala (NM_001387141.1); short protein forms P154A, P177A, P85A.
Identifiers: ClinVar variation 3035786 (VCV003035786.3), dbSNP rs1799891, ClinGen allele CA7867304.